The following is an entry in ClinVar:

ClinVar aggregate classification (germline): Pathogenic (1 of 4 stars; one submission).

Submission:

GeneDx
Classification: Pathogenic. Last evaluated: 2018-03-20. Review status: criteria provided, single submitter. Criteria: GeneDx Variant Classification (06012015). Collection method: clinical testing. Allele origin: germline. Affected: yes.
Comment: The c.7193_7194delTG variant has not been published as a pathogenic variant, nor has it been reported as a benign variant to our knowledge. The variant is not observed in large population cohorts (Lek et al., 2016). The variant causes a frameshift starting with codon Leucine 2398, changes this amino acid to an Arginine residue and creates a premature Stop codon at position 2 of the new reading frame, denoted p.Leu2398ArgfsX2. This variant is predicted to cause loss of normal protein function either through protein truncation or nonsense-mediated mRNA decay. In summary, we consider this variant to be pathogenic.

NM_001042492.3(NF1):c.7256_7257del (p.Leu2419fs)

Gene: NF1 (neurofibromin 1; plus strand). Cytogenetic location: 17q11.2.
Variant type: Deletion.
Coding change: c.7256_7257del on transcript NM_001042492.3 (MANE Select); coding-DNA positions 7256 to 7257, 2 bases deleted (TG; older notation c.7256_7257delTG).
Protein change: p.Leu2419fs; shifts the reading frame from leucine 2419.
Molecular consequence: frameshift variant.
Genome position (GRCh38, 1-based): chr17:31,349,186-31,349,187, TG deleted. VCF-style (leftmost placement, unchanged base first): chr17-31349185-CTG-C. GRCh37 (hg19) VCF-style: chr17-29676203-CTG-C.
Other names: c.7193_7194delTG (NM_000267.3); c.7193_7194delTG, p.Leu2398Argfs (NM_000267.4); short protein forms L2398fs, L2419fs.
Identifiers: ClinVar variation 524017 (VCV000524017.2), dbSNP rs1555536027, ClinGen allele CA658798780.